The following is an entry in ClinVar:

ClinVar aggregate classification (germline): Uncertain significance. Review status: criteria provided, multiple submitters, no conflicts (2 of 4 stars). 3 submissions from 3 submitters: Uncertain significance (2). 1 of the submissions does not count toward it. Last evaluated 2025-11-12.

Conditions:
PLXNA2-related disorder. Also called: PLXNA2-related condition.

Allele frequency attached by ClinVar (database versions not stated): gnomAD exomes 0.00002; gnomAD 0.00004; TOPMed 0.00006.
gnomAD v4.1: 42 of 1,614,026 alleles (0.0026%); highest among the groups gnomAD compares: Admixed American, 0.01%; no homozygotes.

Submissions (3):

Ambry Genetics
Classification: Uncertain significance. Last evaluated: 2025-11-12. Review status: criteria provided, single submitter. Criteria: Ambry Variant Classification Scheme 2023. Collection method: clinical testing. Allele origin: germline.

Labcorp Genetics (formerly Invitae), Labcorp
Classification: Uncertain significance. Last evaluated: 2024-10-09. Review status: criteria provided, single submitter. Criteria: Invitae Variant Classification Sherloc (09022015). Collection method: clinical testing. Allele origin: germline.
Comment: This sequence change replaces arginine, which is basic and polar, with histidine, which is basic and polar, at codon 370 of the PLXNA2 protein (p.Arg370His). This variant is present in population databases (rs748090782, gnomAD 0.006%). This variant has not been reported in the literature in individuals affected with PLXNA2-related conditions. ClinVar contains an entry for this variant (Variation ID: 2631882). Invitae Evidence Modeling of protein sequence and biophysical properties (such as structural, functional, and spatial information, amino acid conservation, physicochemical variation, residue mobility, and thermodynamic stability) indicates that this missense variant is expected to disrupt PLXNA2 protein function with a positive predictive value of 80%. In summary, the available evidence is currently insufficient to determine the role of this variant in disease. Therefore, it has been classified as a Variant of Uncertain Significance.

PreventionGenetics, part of Exact Sciences
Classification: Uncertain significance for PLXNA2-related condition. Last evaluated: 2024-05-16. Review status: no assertion criteria provided. Collection method: clinical testing. Allele origin: germline. Not counted in ClinVar's aggregate classification.
Comment: The PLXNA2 c.1109G>A variant is predicted to result in the amino acid substitution p.Arg370His. To our knowledge, this variant has not been reported in the literature. This variant is reported in 0.0058% of alleles in individuals of Latino descent in gnomAD. At this time, the clinical significance of this variant is uncertain due to the absence of conclusive functional and genetic evidence.

NM_025179.4(PLXNA2):c.1109G>A (p.Arg370His)

Gene: PLXNA2 (plexin A2; minus strand). Cytogenetic location: 1q32.2.
Variant type: single nucleotide variant.
Coding change: c.1109G>A on transcript NM_025179.4 (MANE Select); coding-DNA position 1109, G replaced by A.
Protein change: p.Arg370His; replaces arginine 370 with histidine.
Molecular consequence: missense variant.
Genome position (GRCh38, 1-based): chr1:208,216,814, C>T on the plus strand (G>A on the coding strand, the complement: PLXNA2 is on the minus strand). VCF-style: chr1-208216814-C-T. GRCh37 (hg19) VCF-style: chr1-208390159-C-T.
Other names: short protein forms R370H.
Identifiers: ClinVar variation 2631882 (VCV002631882.5), dbSNP rs748090782, ClinGen allele CA1373973.